The following is an entry in ClinVar:

NM_001349253.2(SCN11A):c.3310G>T (p.Glu1104Ter)

Gene: SCN11A (sodium voltage-gated channel alpha subunit 11; minus strand). Cytogenetic location: 3p22.2.
Variant type: single nucleotide variant.
Coding change: c.3310G>T on transcript NM_001349253.2 (MANE Select); coding-DNA position 3310, G replaced by T.
Protein change: p.Glu1104Ter; replaces glutamic acid 1104 with a stop codon.
Molecular consequence: nonsense.
Genome position (GRCh38, 1-based): chr3:38,880,033, C>A on the plus strand (G>T on the coding strand, the complement: SCN11A is on the minus strand). VCF-style: chr3-38880033-C-A. GRCh37 (hg19) VCF-style: chr3-38921524-C-A.
Other names: c.3310G>T, p.Glu1104Ter (NM_014139.3); short protein forms E1104*.
Identifiers: ClinVar variation 3756962 (VCV003756962.2).

ClinVar aggregate classification (germline): Uncertain significance (1 of 4 stars; one submission).

Conditions:
Hereditary sensory and autonomic neuropathy type 7. Also called: Neuropathy, hereditary sensory and autonomic, type VII; HSAN VII. Identifiers: Orphanet 391397, MedGen C3809882, MONDO:0014244, OMIM 615548.
Familial episodic pain syndrome with predominantly lower limb involvement. Also called: Episodic pain syndrome, familial, 3. Identifiers: Orphanet 391384, Orphanet 391392, MedGen C3809899, MONDO:0014247, OMIM 615552.

Submission:

Labcorp Genetics (formerly Invitae), Labcorp
Classification: Uncertain significance for Familial episodic pain syndrome with predominantly lower limb involvement; Hereditary sensory and autonomic neuropathy type 7. Last evaluated: 2024-06-24. Review status: criteria provided, single submitter. Criteria: Invitae Variant Classification Sherloc (09022015). Collection method: clinical testing. Allele origin: germline.
Comment: This sequence change creates a premature translational stop signal (p.Glu1104*) in the SCN11A gene. It is expected to result in an absent or disrupted protein product. However, the current clinical and genetic evidence is not sufficient to establish whether loss-of-function variants in SCN11A cause disease. This variant is not present in population databases (gnomAD no frequency). This variant has not been reported in the literature in individuals affected with SCN11A-related conditions. Algorithms developed to predict the effect of sequence changes on RNA splicing suggest that this variant may disrupt the consensus splice site. In summary, the available evidence is currently insufficient to determine the role of this variant in disease. Therefore, it has been classified as a Variant of Uncertain Significance.